The following is an entry in ClinVar:

NM_000452.3(SLC10A2):c.431G>T (p.Cys144Phe)

Gene: SLC10A2 (solute carrier family 10 member 2; minus strand). Cytogenetic location: 13q33.1.
Variant type: single nucleotide variant.
Coding change: c.431G>T on transcript NM_000452.3 (MANE Select); coding-DNA position 431, G replaced by T.
Protein change: p.Cys144Phe; replaces cysteine 144 with phenylalanine.
Molecular consequence: missense variant.
Genome position (GRCh38, 1-based): chr13:103,058,329, C>A on the plus strand (G>T on the coding strand, the complement: SLC10A2 is on the minus strand). VCF-style: chr13-103058329-C-A. GRCh37 (hg19) VCF-style: chr13-103710679-C-A.
Other names: short protein forms C144F.
Identifiers: ClinVar variation 2703613 (VCV002703613.3), dbSNP rs143238545, ClinGen allele CA7042222.

ClinVar aggregate classification (germline): Uncertain significance (1 of 4 stars; one submission).

Submission:

Labcorp Genetics (formerly Invitae), Labcorp
Classification: Uncertain significance. Last evaluated: 2023-12-26. Review status: criteria provided, single submitter. Criteria: Invitae Variant Classification Sherloc (09022015). Collection method: clinical testing. Allele origin: germline.
Comment: This sequence change replaces cysteine, which is neutral and slightly polar, with phenylalanine, which is neutral and non-polar, at codon 144 of the SLC10A2 protein (p.Cys144Phe). This variant is present in population databases (rs143238545, gnomAD 0.006%). This variant has not been reported in the literature in individuals affected with SLC10A2-related conditions. Advanced modeling of protein sequence and biophysical properties (such as structural, functional, and spatial information, amino acid conservation, physicochemical variation, residue mobility, and thermodynamic stability) has been performed at Invitae for this missense variant, however the output from this modeling did not meet the statistical confidence thresholds required to predict the impact of this variant on SLC10A2 protein function. In summary, the available evidence is currently insufficient to determine the role of this variant in disease. Therefore, it has been classified as a Variant of Uncertain Significance.